The following is an entry in ClinVar:

ClinVar aggregate classification (germline): Benign. Review status: criteria provided, multiple submitters, no conflicts (2 of 4 stars). 2 submissions from 2 submitters: Benign (2). Last evaluated 2016-03-28.

Allele frequency attached by ClinVar (database versions not stated): gnomAD exomes 0.06181 and 0.06538; ExAC 0.07264; gnomAD 0.08434 and 0.08596; TOPMed 0.08493; ESP Exome Variant Server 0.08678; 1000 Genomes Project 0.09545; 1000 Genomes Project 30x 0.09572.
gnomAD v4.1: 103,799 of 1,613,566 alleles (6.4%); highest among the groups gnomAD compares: African/African-American, 15%; 3,813 homozygotes.

Submissions (2):

Laboratory for Molecular Medicine, Mass General Brigham Personalized Medicine
Classification: Benign. Last evaluated: 2016-03-28. Review status: criteria provided, single submitter. Criteria: LMM Criteria. Collection method: clinical testing. Allele origin: germline.
Comment: Variant identified in a genome or exome case(s) and assessed due to predicted null impact of the variant or pathogenic assertions in the literature or databases. Disclaimer: This variant has not undergone full assessment. The following are preliminary notes: Frequency

Breakthrough Genomics
Classification: Benign. Review status: criteria provided, single submitter. Criteria: ACMG Guidelines, 2015. Collection method: not provided. Allele origin: germline. Inheritance: Autosomal recessive inheritance. Affected: yes.

NM_006892.4(DNMT3B):c.-6-176C>T

Gene: DNMT3B (DNA methyltransferase 3 beta; plus strand). Cytogenetic location: 20q11.21.
Variant type: single nucleotide variant.
Coding change: c.-6-176C>T on transcript NM_006892.4 (MANE Select); 176 bases into the intron before 6 bases upstream of the start codon, C replaced by T.
Molecular consequence: intron variant. On other transcripts: synonymous variant (1).
Genome position (GRCh38, 1-based): chr20:32,780,142, C>T. VCF-style: chr20-32780142-C-T. GRCh37 (hg19) VCF-style: chr20-31367948-C-T.
Other names: c.27C>T, p.Ser9= (NM_175850.3); c.-6-176C>T (NM_175848.2, NM_175849.2, NM_001207055.2 and 1 more transcripts).
Identifiers: ClinVar variation 402792 (VCV000402792.5), dbSNP rs6058885, ClinGen allele CA9809976.